The following is an entry in ClinVar:

NM_002439.5(MSH3):c.2436-5C>G

Gene: MSH3 (mutS homolog 3; plus strand). Cytogenetic location: 5q14.1.
Variant type: single nucleotide variant.
Coding change: c.2436-5C>G on transcript NM_002439.5 (MANE Select); 5 bases into the intron before coding-DNA position 2436, C replaced by G.
Molecular consequence: intron variant.
Genome position (GRCh38, 1-based): chr5:80,787,560, C>G. VCF-style: chr5-80787560-C-G. GRCh37 (hg19) VCF-style: chr5-80083379-C-G.
Identifiers: ClinVar variation 1021904 (VCV001021904.11), dbSNP rs954024168, ClinGen allele CA1558537748.
Genomic context (GRCh38, chr5:80,787,560, plus strand): 5'-TAGAGCTATTATAGGTTTAAGATATCAGTTTGCTCACCTTTTTGTTGTTGCTGCTGCTTC[C>G]GTAGGAAATTCAGTGAACATTATCACTCCTTGTGTAAAGCAGTGCATCACCTAGCAACTG-3'

ClinVar aggregate classification (germline): Conflicting classifications of pathogenicity. Review status: criteria provided, conflicting classifications (1 of 4 stars). 2 submissions from 2 submitters: Uncertain significance (1); Likely benign (1). Last evaluated 2024-02-24.

Conditions:
Hereditary cancer-predisposing syndrome. Also called: Hereditary Cancer Syndrome; Neoplastic Syndromes, Hereditary; Tumor predisposition; Hereditary neoplastic syndrome. Identifiers: Orphanet 140162, MedGen C0027672, MeSH D009386, MONDO:0015356.

Submissions (2):

Labcorp Genetics (formerly Invitae), Labcorp
Classification: Likely benign. Last evaluated: 2024-02-24. Review status: criteria provided, single submitter. Criteria: Invitae Variant Classification Sherloc (09022015). Collection method: clinical testing. Allele origin: germline.

Ambry Genetics
Classification: Uncertain significance for Hereditary cancer-predisposing syndrome. Last evaluated: 2022-05-31. Review status: criteria provided, single submitter. Criteria: Ambry Variant Classification Scheme 2023. Collection method: clinical testing. Allele origin: germline.
Comment: The c.2436-5C>G intronic variant results from a C to G substitution 5 nucleotides upstream from coding exon 18 in the MSH3 gene. This nucleotide position is poorly conserved in available vertebrate species. In silico splice site analysis for this alteration is inconclusive. Since supporting evidence is limited at this time, the clinical significance of this alteration remains unclear.